The following is an entry in ClinVar:

ClinVar aggregate classification (germline): Uncertain significance (1 of 4 stars; one submission).

Conditions:
POMC-related disorder. Also called: POMC-related disorders; POMC-related condition.

gnomAD v4.1: 1 of 1,588,844 alleles (0.000063%); highest among the groups gnomAD compares: African/African-American, 0.0013%; no homozygotes.

Submission:

PreventionGenetics, part of Exact Sciences
Classification: Uncertain significance for POMC-related condition. Last evaluated: 2026-09-16. Review status: criteria provided, single submitter. Criteria: ACMG Guidelines, 2015. Collection method: clinical testing. Allele origin: germline.
Comment: The POMC c.359G>A variant is predicted to result in the amino acid substitution p.Gly120Asp. To our knowledge, this variant has not been reported in the literature or in a large population database (gnomAD), indicating this variant is rare. At this time, the clinical significance of this variant is uncertain due to the absence of conclusive functional and genetic evidence.

NM_000939.4(POMC):c.359G>A (p.Gly120Asp)

Gene: POMC (proopiomelanocortin; minus strand). Cytogenetic location: 2p23.3.
Variant type: single nucleotide variant.
Coding change: c.359G>A on transcript NM_000939.4 (MANE Select); coding-DNA position 359, G replaced by A.
Protein change: p.Gly120Asp; replaces glycine 120 with aspartic acid.
Molecular consequence: missense variant.
Genome position (GRCh38, 1-based): chr2:25,161,526, C>T on the plus strand (G>A on the coding strand, the complement: POMC is on the minus strand). VCF-style: chr2-25161526-C-T. GRCh37 (hg19) VCF-style: chr2-25384395-C-T.
Other names: c.359G>A, p.Gly120Asp (NM_001035256.3, NM_001319204.2, NM_001319205.2); short protein forms G120D.
Identifiers: ClinVar variation 4989909 (VCV004989909.1).